The following is an entry in ClinVar:

ClinVar aggregate classification (germline): Conflicting classifications of pathogenicity. Review status: criteria provided, conflicting classifications (1 of 4 stars). 2 submissions from 2 submitters: Uncertain significance (1); Likely benign (1). Last evaluated 2025-08-29.

Allele frequency attached by ClinVar (database versions not stated): gnomAD exomes 0.00004 and 0.00016; TOPMed 0.00006; gnomAD 0.00007; ESP Exome Variant Server 0.00008; ExAC 0.00015.
gnomAD v4.1: 61 of 1,601,006 alleles (0.0038%); highest among the groups gnomAD compares: Admixed American, 0.08%; no homozygotes.

Submissions (2):

Labcorp Genetics (formerly Invitae), Labcorp
Classification: Uncertain significance. Last evaluated: 2025-08-29. Review status: criteria provided, single submitter. Criteria: Invitae Variant Classification Sherloc (09022015). Collection method: clinical testing. Allele origin: germline.
Comment: This sequence change replaces arginine, which is basic and polar, with histidine, which is basic and polar, at codon 66 of the ELMOD3 protein (p.Arg66His). This variant is present in population databases (rs374954571, gnomAD 0.09%), and has an allele count higher than expected for a pathogenic variant. This variant has not been reported in the literature in individuals affected with ELMOD3-related conditions. ClinVar contains an entry for this variant (Variation ID: 1349014). An algorithm developed to predict the effect of missense changes on protein structure and function outputs the following: PolyPhen-2: "Benign". The histidine amino acid residue is found in multiple mammalian species, which suggests that this missense change does not adversely affect protein function. In summary, the available evidence is currently insufficient to determine the role of this variant in disease. Therefore, it has been classified as a Variant of Uncertain Significance.

Ambry Genetics
Classification: Likely benign. Last evaluated: 2021-06-11. Review status: criteria provided, single submitter. Criteria: Ambry Variant Classification Scheme 2023. Collection method: clinical testing. Allele origin: germline.

NM_001135022.2(ELMOD3):c.197G>A (p.Arg66His)

Gene: ELMOD3 (ELMO domain containing 3; plus strand). Cytogenetic location: 2p11.2.
Variant type: single nucleotide variant.
Coding change: c.197G>A on transcript NM_001135022.2 (MANE Select); coding-DNA position 197, G replaced by A.
Protein change: p.Arg66His; replaces arginine 66 with histidine.
Molecular consequence: missense variant. On other transcripts: non-coding transcript variant (3).
Genome position (GRCh38, 1-based): chr2:85,363,164, G>A. VCF-style: chr2-85363164-G-A. GRCh37 (hg19) VCF-style: chr2-85590287-G-A.
Other names: c.197G>A, p.Arg66His (NM_001135021.2, NM_001135023.2, NM_001329791.2 and 3 more transcripts); short protein forms R66H.
Identifiers: ClinVar variation 1349014 (VCV001349014.9), dbSNP rs374954571, ClinGen allele CA1740238.